The following is an entry in ClinVar:

NM_001170700.3(DTHD1):c.902T>A (p.Leu301Gln)

Gene: DTHD1 (death domain containing 1; plus strand). Cytogenetic location: 4p14.
Variant type: single nucleotide variant.
Coding change: c.902T>A on transcript NM_001170700.3 (MANE Select); coding-DNA position 902, T replaced by A.
Protein change: p.Leu301Gln; replaces leucine 301 with glutamine.
Molecular consequence: missense variant. On other transcripts: non-coding transcript variant (2).
Genome position (GRCh38, 1-based): chr4:36,290,387, T>A. VCF-style: chr4-36290387-T-A. GRCh37 (hg19) VCF-style: chr4-36292009-T-A.
Other names: c.32T>A (NM_001136536.4); c.32T>A, p.Leu11Gln (NM_001136536.5, NM_001378435.1); short protein forms L11Q, L301Q.
Identifiers: ClinVar variation 1166270 (VCV001166270.12), dbSNP rs187188942, ClinGen allele CA2885592.

ClinVar aggregate classification (germline): Benign/Likely benign. Review status: criteria provided, multiple submitters, no conflicts (2 of 4 stars). 3 submissions from 3 submitters: Benign (1); Likely benign (1). 1 of the submissions does not count toward it. Last evaluated 2025-06-29.

Conditions:
DTHD1-related disorder. Also called: DTHD1-related condition.

Allele frequency attached by ClinVar (database versions not stated): gnomAD exomes 0.00012 and 0.00090; gnomAD 0.00021 and 0.00029; ExAC 0.00038; 1000 Genomes Project 0.00240; 1000 Genomes Project 30x 0.00312.
gnomAD v4.1: 222 of 1,549,998 alleles (0.014%); highest among the groups gnomAD compares: East Asian, 0.49%; 1 homozygote.

Submissions (3):

Labcorp Genetics (formerly Invitae), Labcorp
Classification: Benign. Last evaluated: 2025-06-29. Review status: criteria provided, single submitter. Criteria: Invitae Variant Classification Sherloc (09022015). Collection method: clinical testing. Allele origin: germline.

Blueprint Genetics
Classification: Likely benign. Last evaluated: 2024-11-06. Review status: criteria provided, single submitter. Criteria: ACMG Guidelines, 2015. Collection method: clinical testing. Allele origin: germline.

PreventionGenetics, part of Exact Sciences
Classification: Benign for DTHD1-related condition. Last evaluated: 2019-03-27. Review status: no assertion criteria provided. Collection method: clinical testing. Allele origin: germline. Not counted in ClinVar's aggregate classification.
Comment: This variant is classified as benign based on ACMG/AMP sequence variant interpretation guidelines (Richards et al. 2015 PMID: 25741868, with internal and published modifications).